The following is an entry in ClinVar:

NM_001009944.3(PKD1):c.4451C>T (p.Pro1484Leu)

Gene: PKD1 (polycystin 1, transient receptor potential channel interacting; minus strand). Cytogenetic location: 16p13.3.
Variant type: single nucleotide variant.
Coding change: c.4451C>T on transcript NM_001009944.3 (MANE Select); coding-DNA position 4451, C replaced by T.
Protein change: p.Pro1484Leu; replaces proline 1484 with leucine.
Molecular consequence: missense variant.
Genome position (GRCh38, 1-based): chr16:2,110,716, G>A on the plus strand (C>T on the coding strand, the complement: PKD1 is on the minus strand). VCF-style: chr16-2110716-G-A. GRCh37 (hg19) VCF-style: chr16-2160717-G-A.
Other names: c.4451C>T (NM_000296.3); c.4451C>T, p.Pro1484Leu (NM_000296.4); short protein forms P1484L.
Identifiers: ClinVar variation 1805262 (VCV001805262.3), dbSNP rs759853409, ClinGen allele CA7832373.

ClinVar aggregate classification (germline): Uncertain significance. Review status: criteria provided, multiple submitters, no conflicts (2 of 4 stars). 2 submissions from 2 submitters: Uncertain significance (2). Last evaluated 2026-02-27.

Conditions:
Polycystic kidney disease, adult type (PKD1). Also called: Polycystic Kidney, Autosomal Dominant; POLYCYSTIC KIDNEY DISEASE 1 WITH OR WITHOUT POLYCYSTIC LIVER DISEASE; Polycystic Kidney Disease 1, Autosomal Dominant; Polycystic kidney disease 1; Polycystic kidney disease 1, severe; POLYCYSTIC KIDNEY DISEASE, ADULT, TYPE I. Identifiers: MedGen C3149841, MONDO:0008263, OMIM 173900.
Inborn genetic diseases. Identifiers: MedGen C0950123, MeSH D030342.

Allele frequency attached by ClinVar (database versions not stated): ExAC 0.00002; gnomAD exomes 0.00002; TOPMed 0.00002; gnomAD 0.00004.
gnomAD v4.1: 33 of 1,609,964 alleles (0.002%); highest among the groups gnomAD compares: African/African-American, 0.0067%; no homozygotes.

Submissions (2):

Ambry Genetics
Classification: Uncertain significance for Inborn genetic diseases. Last evaluated: 2026-02-27. Review status: criteria provided, single submitter. Criteria: Ambry Variant Classification Scheme 2023. Collection method: clinical testing. Allele origin: germline.

Victorian Clinical Genetics Services, Murdoch Childrens Research Institute
Classification: Uncertain significance for Polycystic kidney disease, adult type. Last evaluated: 2023-07-17. Review status: criteria provided, single submitter. Criteria: ACMG Guidelines, 2015. Collection method: clinical testing. Allele origin: germline. Inheritance: Autosomal dominant inheritance. Affected: yes.
Comment: Based on the classification scheme VCGS_Germline_v1.3.4, this variant is classified as VUS-3C. Following criteria are met: 0102 - Loss of function is a known mechanism of disease in this gene and is associated with polycystic kidney disease 1 (MIM#173900). (I) 0107 - This gene is associated with autosomal dominant disease. Polycystic kidney disease 1 (MIM#173900) is predominantly caused by monoallelic variants, with rare reports of biallelic variants causing disease (OMIM). (I) 0200 - Variant is predicted to result in a missense amino acid change from proline to leucine. (I) 0251 - This variant is heterozygous. (I) 0302 - Variant is present in gnomAD <0.001 for a dominant condition (v3: 6 heterozygotes, 0 homozygotes). (SP) 0504 - Same amino acid change has been observed in placental mammals. (SB) 0600 - Variant is located in the annotated PKD domain (DECIPHER, Uniprot). (I) 0705 - No comparable missense variants have previous evidence for pathogenicity. (I) 0807 - This variant has no previous evidence of pathogenicity. (I) 0905 - No published segregation evidence has been identified for this variant. (I) 1007 - No published functional evidence has been identified for this variant. (I) 1208 - Inheritance information for this variant is not currently available in this individual. (I) Legend: (SP) - Supporting pathogenic, (I) - Information, (SB) - Supporting benign